The following is an entry in ClinVar:

NM_022167.4(XYLT2):c.341_342delinsTT (p.Pro114Leu)

Gene: XYLT2 (xylosyltransferase 2; plus strand). Cytogenetic location: 17q21.33.
Variant type: Indel.
Coding change: c.341_342delinsTT on transcript NM_022167.4 (MANE Select); coding-DNA positions 341 to 342, CC replaced by TT.
Protein change: p.Pro114Leu; replaces proline 114 with leucine.
Molecular consequence: missense variant.
Genome position (GRCh38, 1-based): chr17:50,353,835-50,353,836, CC replaced by TT. VCF-style: chr17-50353835-CC-TT. GRCh37 (hg19) VCF-style: chr17-48431196-CC-TT.
Other names: short protein forms P114L.
Identifiers: ClinVar variation 4772667 (VCV004772667.1).

ClinVar aggregate classification (germline): Uncertain significance (1 of 4 stars; one submission).

Submission:

Labcorp Genetics (formerly Invitae), Labcorp
Classification: Uncertain significance. Last evaluated: 2025-06-08. Review status: criteria provided, single submitter. Criteria: Invitae Variant Classification Sherloc (09022015). Collection method: clinical testing. Allele origin: germline.
Comment: This sequence change replaces proline, which is neutral and non-polar, with leucine, which is neutral and non-polar, at codon 114 of the XYLT2 protein (p.Pro114Leu). The frequency data for this variant in the population databases is considered unreliable, as metrics indicate poor data quality at this position in the gnomAD database. This variant has not been reported in the literature in individuals affected with XYLT2-related conditions. An algorithm developed to predict the effect of missense changes on protein structure and function (PolyPhen-2) suggests that this variant is likely to be tolerated. In summary, the available evidence is currently insufficient to determine the role of this variant in disease. Therefore, it has been classified as a Variant of Uncertain Significance.